The following is an entry in ClinVar:

ClinVar aggregate classification (germline): Likely benign. Review status: criteria provided, multiple submitters, no conflicts (2 of 4 stars). 8 submissions from 8 submitters: Likely benign (3). 5 of the submissions do not count toward it. Last evaluated 2025-04-25.

Conditions:
PKD1-related disorder. Also called: PKD1-related condition.
Polycystic kidney disease. Also called: Polycystic kidney dysplasia; Kidney, Polycystic. Identifiers: MedGen C0022680, MeSH D007690, MONDO:0020642, HP:0000113.

Allele frequency attached by ClinVar (database versions not stated): TOPMed 0.00065; gnomAD 0.00070 and 0.00065; ESP Exome Variant Server 0.00054; 1000 Genomes Project 0.00020; 1000 Genomes Project 30x 0.00016.
gnomAD v4.1: 909 of 1,612,610 alleles (0.056%); highest among the groups gnomAD compares: Admixed American, 0.12%; 3 homozygotes.

Submissions (8):

Women's Health and Genetics/Laboratory Corporation of America, LabCorp
Classification: Likely benign. Last evaluated: 2025-04-25. Review status: criteria provided, single submitter. Criteria: LabCorp Variant Classification Summary - May 2015. Collection method: clinical testing. Allele origin: germline.

Blueprint Genetics
Classification: Likely benign. Last evaluated: 2024-11-20. Review status: criteria provided, single submitter. Criteria: ACMG Guidelines, 2015. Collection method: clinical testing. Allele origin: germline.

Athena Diagnostics
Classification: Likely benign. Last evaluated: 2021-03-03. Review status: criteria provided, single submitter. Criteria: Athena Diagnostics criteria. Collection method: clinical testing. Allele origin: unknown.

PreventionGenetics, part of Exact Sciences
Classification: Likely benign for PKD1-related condition. Last evaluated: 2020-02-26. Review status: no assertion criteria provided. Collection method: clinical testing. Allele origin: germline. Not counted in ClinVar's aggregate classification.
Comment: This variant is classified as likely benign based on ACMG/AMP sequence variant interpretation guidelines (Richards et al. 2015 PMID: 25741868, with internal and published modifications).

Clinical Genetics DNA and cytogenetics Diagnostics Lab, Erasmus MC, Erasmus Medical Center
Classification: Likely benign. Review status: no assertion criteria provided. Collection method: clinical testing. Allele origin: germline. Affected: yes. Study: VKGL Data-share Consensus. Not counted in ClinVar's aggregate classification.

Department of Pathology and Laboratory Medicine, Sinai Health System
Classification: Likely benign for Polycystic Kidney disease. Review status: no assertion criteria provided. Collection method: clinical testing. Allele origin: unknown. Affected: yes. Observed: 1 variant allele. Study: The Canadian Open Genetics Repository (COGR). Not counted in ClinVar's aggregate classification.
Comment: The PKD1 p.Thr1612= variant was identified in 2 of 550 proband chromosomes (frequency: 0.004) from individuals or families with ADPKD (Rossetti 2002, Rossetti 2012). The variant was also identified in dbSNP (ID: rs138116334) as â€šÃ„ÃºNAâ€šÃ„Ã¹, the ADPKD Mutation Database (as likely neutral), the 1000 Genomes Project in 1 of 5008 chromosomes (frequency: 0.0002), the NHLBI GO Exome Sequencing Project in 4 of 8592 European American alleles (freq. 0.00046) and in 3 of 4395 African American alleles (freq. 0.0007), the genome Aggregation Database (beta, October 19th 2016) in 123 of 276042 chromosomes (freq. 0.00044), the Exome Aggregation Consortium database (August 8th 2016) in 66 of 119394 chromosomes (freq. 0.00055) in the following populations: Latino in 11 of 11536 chromosomes (freq. 0.00095), European in 51 of 65128 chromosomes (freq. 0.00078), African in 3 of 10144 chromosomes (freq. 0.0003) and Finnish in 1 of 6606 chromosomes (freq. 0.00015), but was not seen in East Asian, other and South Asian populations, increasing the likelihood this could be a low frequency benign variant. In addition we cannot be certain that data from control databases is specific to PKD1 and not from one of the six PKD1 pseudogenes. This variant was not identified in Clinvitae, ClinVar, GeneInsight COGR, MutDB, PKD1-LOVD, PKD1-LOVD 3.0 and HAPMAP. The p.Thr1612= variant is not expected to have clinical significance because it does not result in a change of amino acid and is not located in a known consensus splice site. The variant occurs outside of the splicing consensus sequence and 4 of 5 in silico or computational prediction software programs (SpliceSiteFinder, MaxEntScan, NNSPLICE, GeneSplicer, HumanSpliceFinder) predict a greater than 10% difference in splicing. However, this information is not predictive enough to assume pathogenicity. In summary, based on the above information, this variant is classified as likely benign.

Genome Diagnostics Laboratory, University Medical Center Utrecht
Classification: Likely benign. Review status: no assertion criteria provided. Collection method: clinical testing. Allele origin: germline. Affected: yes. Study: VKGL Data-share Consensus. Not counted in ClinVar's aggregate classification.

Laboratory of Diagnostic Genome Analysis, Leiden University Medical Center (LUMC)
Classification: Likely benign. Review status: no assertion criteria provided. Collection method: clinical testing. Allele origin: germline. Affected: yes. Study: VKGL Data-share Consensus. Not counted in ClinVar's aggregate classification.

Literature cited by the submitters: PubMed 22383692 (cited by Athena Diagnostics).

NM_001009944.3(PKD1):c.4836G>A (p.Thr1612=)

Gene: PKD1 (polycystin 1, transient receptor potential channel interacting; minus strand). Cytogenetic location: 16p13.3.
Variant type: single nucleotide variant.
Coding change: c.4836G>A on transcript NM_001009944.3 (MANE Select); coding-DNA position 4836, G replaced by A.
Protein change: p.Thr1612=; no amino-acid change (threonine 1612 retained).
Molecular consequence: synonymous variant.
Genome position (GRCh38, 1-based): chr16:2,110,331, C>T on the plus strand (G>A on the coding strand, the complement: PKD1 is on the minus strand). VCF-style: chr16-2110331-C-T. GRCh37 (hg19) VCF-style: chr16-2160332-C-T.
Other names: c.4836G>A, p.Thr1612= (NM_000296.4); c.4836G>A (NM_001009944.2).
Identifiers: ClinVar variation 997131 (VCV000997131.9), dbSNP rs138116334, ClinGen allele CA7832226.
Genomic context (GRCh38, chr16:2,110,331, plus strand): 5'-TATGAGCTGCAGGACATAGACGAAGATGCTGTCCTGGGCGGAGCCCACCTCGTTCTCAGC[C>T]GTGACGATGATATTGAAGGTGCCCACGGAGCGGAAGGTGTAAGAGATGGTAGGACCCCCA-3'
Protein context (NP_001009944.3, residues 1602-1622): RSVGTFNIIV[Thr1612=]AENEVGSAQD